The following is an entry in ClinVar:

ClinVar aggregate classification (germline): Uncertain significance (1 of 4 stars; one submission).

Conditions:
Hereditary cancer-predisposing syndrome. Also called: Tumor predisposition; Hereditary neoplastic syndrome; Hereditary Cancer Syndrome; Neoplastic Syndromes, Hereditary. Identifiers: Orphanet 140162, MedGen C0027672, MeSH D009386, MONDO:0015356.

Submission:

Ambry Genetics
Classification: Uncertain significance for Hereditary cancer-predisposing syndrome. Last evaluated: 2025-03-17. Review status: criteria provided, single submitter. Criteria: Ambry Variant Classification Scheme 2023. Collection method: clinical testing. Allele origin: germline.
Comment: The c.1159_1160delCCinsTT variant, located in coding exon 10 of the TSC1 gene, results from an in-frame deletion of CC and insertion of TT at nucleotide positions 1159 to 1160. This results in the substitution of the proline residue for a phenylalanine residue at codon 387, an amino acid with dissimilar properties. This amino acid position is highly conserved in available vertebrate species. In addition, the in silico prediction for this alteration is inconclusive (Choi Y et al. PLoS ONE. 2012; 7(10):e46688). Based on the available evidence, the clinical significance of this variant remains unclear.

NM_000368.5(TSC1):c.1159_1160delinsTT (p.Pro387Phe)

Gene: TSC1 (TSC complex subunit 1; minus strand). Cytogenetic location: 9q34.13.
Variant type: Indel.
Coding change: c.1159_1160delinsTT on transcript NM_000368.5 (MANE Select); coding-DNA positions 1159 to 1160, CC replaced by TT.
Protein change: p.Pro387Phe; replaces proline 387 with phenylalanine.
Molecular consequence: missense variant. On other transcripts: non-coding transcript variant (5).
Genome position (GRCh38, 1-based): chr9:132,910,674-132,910,675, GG replaced by AA on the plus strand (CC replaced by TT on the coding strand, the reverse complement: TSC1 is on the minus strand). VCF-style: chr9-132910674-GG-AA. GRCh37 (hg19) VCF-style: chr9-135786061-GG-AA.
Other names: c.1156_1157delinsTT, p.Pro386Phe (NM_001406609.1, NM_001162426.2, NM_001406597.1 and 6 more transcripts); c.1006_1007delinsTT, p.Pro336Phe (NM_001406610.1, NM_001162427.2); c.1003_1004delinsTT, p.Pro335Phe (NM_001406611.1, NM_001406612.1, NM_001406613.1); c.796_797delinsTT, p.Pro266Phe (NM_001406614.1, NM_001406615.1, NM_001406616.1 and 5 more transcripts); c.1159_1160delinsTT, p.Pro387Phe (NM_001406592.1, NM_001406593.1, NM_001406594.1 and 7 more transcripts); c.793_794delinsTT, p.Pro265Phe (NM_001406620.1, NM_001406621.1, NM_001406622.1 and 2 more transcripts); c.208_209delinsTT, p.Pro70Phe (NM_001406626.1); c.205_206delinsTT, p.Pro69Phe (NM_001406627.1, NM_001406628.1); and 1 more; short protein forms P36F, P69F, P335F, P336F, P387F, P70F, P265F, P266F.
Identifiers: ClinVar variation 3974534 (VCV003974534.1).
Genomic context (GRCh38, chr9:132,910,674, plus strand): 5'-ACGTAGTCATCCGAATGACAGAGTGGGGCTGGAGGAGGAGAGGTTGCTGGGGTTCCCAGA[GG>AA]AGTTCCTTTTCCACCTGCTTAGAGACAAGGGCAGAACATATATGAACACTGAGCCCAACT-3'
Protein context (NP_000359.1, residues 377-397): FGTTAGGKGT[Pro387Phe]LGTPATSPPP